The following is an entry in ClinVar:

NM_024818.6(UBA5):c.407+1G>T

Genes: UBA5 (ubiquitin like modifier activating enzyme 5; plus strand), NPHP3-ACAD11 (NPHP3-ACAD11 readthrough (NMD candidate); minus strand). Cytogenetic location: 3q22.1.
Variant type: single nucleotide variant.
Coding change: c.407+1G>T on transcript NM_024818.6 (MANE Select); the canonical splice donor site of the intron after coding-DNA position 407, G replaced by T.
Molecular consequence: splice donor variant.
Genome position (GRCh38, 1-based): chr3:132,668,928, G>T. VCF-style: chr3-132668928-G-T. GRCh37 (hg19) VCF-style: chr3-132387772-G-T.
Other names: c.239+1G>T (NM_198329.4, NM_001320210.2); c.71+1G>T (NM_001321239.1); c.137+1G>T (NM_001321238.2).
Identifiers: ClinVar variation 1501581 (VCV001501581.6), dbSNP rs2107937292, ClinGen allele CA354573015.

ClinVar aggregate classification (germline): Likely pathogenic (1 of 4 stars; one submission).

Submission:

Labcorp Genetics (formerly Invitae), Labcorp
Classification: Likely pathogenic. Last evaluated: 2022-08-15. Review status: criteria provided, single submitter. Criteria: Invitae Variant Classification Sherloc (09022015). Collection method: clinical testing. Allele origin: germline.
Comment: This sequence change affects a donor splice site in intron 4 of the UBA5 gene. It is expected to disrupt RNA splicing. Variants that disrupt the donor or acceptor splice site typically lead to a loss of protein function (PMID: 16199547), and loss-of-function variants in UBA5 are known to be pathogenic (PMID: 27545674, 27545681). This variant is not present in population databases (gnomAD no frequency). This variant has not been reported in the literature in individuals affected with UBA5-related conditions. ClinVar contains an entry for this variant (Variation ID: 1501581). Algorithms developed to predict the effect of sequence changes on RNA splicing suggest that this variant may disrupt the consensus splice site. In summary, the currently available evidence indicates that the variant is pathogenic, but additional data are needed to prove that conclusively. Therefore, this variant has been classified as Likely Pathogenic.

Literature cited by the submitters: PubMed 16199547; PubMed 27545674; PubMed 27545681.